The following is an entry in ClinVar:

NM_001267550.2(TTN):c.43777C>T (p.Gln14593Ter)

Gene: TTN (titin; minus strand). Cytogenetic location: 2q31.2.
Variant type: single nucleotide variant.
Coding change: c.43777C>T on transcript NM_001267550.2 (MANE Select); coding-DNA position 43777, C replaced by T.
Protein change: p.Gln14593Ter; replaces glutamine 14593 with a stop codon.
Molecular consequence: nonsense.
Genome position (GRCh38, 1-based): chr2:178,631,271, G>A on the plus strand (C>T on the coding strand, the complement: TTN is on the minus strand). VCF-style: chr2-178631271-G-A. GRCh37 (hg19) VCF-style: chr2-179495998-G-A.
Other names: c.38854C>T, p.Gln12952Ter (NM_001256850.1); c.16582C>T, p.Gln5528Ter (NM_003319.4); c.36073C>T, p.Gln12025Ter (NM_133378.4); c.16957C>T, p.Gln5653Ter (NM_133432.3); c.17158C>T, p.Gln5720Ter (NM_133437.4); short protein forms Q12025*, Q12952*, Q14593*, Q5528*, Q5653*, Q5720*.
Identifiers: ClinVar variation 4820560 (VCV004820560.1).

ClinVar aggregate classification (germline): Likely pathogenic (1 of 4 stars; one submission).

Conditions:
Cardiovascular phenotype. Identifiers: MedGen CN230736.

Submission:

Molecular Diagnostic Laboratory for Inherited Cardiovascular Disease, Montreal Heart Institute
Classification: Likely pathogenic for Cardiovascular phenotype. Last evaluated: 2026-03-18. Review status: criteria provided, single submitter. Criteria: ACMG Guidelines, 2015. Collection method: clinical testing. Allele origin: germline. Affected: yes.
Comment: PVS1, PM2